The following is an entry in ClinVar:

NM_001184.4(ATR):c.3725+18A>G

Gene: ATR (ATR checkpoint kinase; minus strand). Cytogenetic location: 3q23.
Variant type: single nucleotide variant.
Coding change: c.3725+18A>G on transcript NM_001184.4 (MANE Select); 18 bases into the intron after coding-DNA position 3725, A replaced by G.
Molecular consequence: intron variant.
Genome position (GRCh38, 1-based): chr3:142,538,464, T>C on the plus strand (A>G on the coding strand, the complement: ATR is on the minus strand). VCF-style: chr3-142538464-T-C. GRCh37 (hg19) VCF-style: chr3-142257306-T-C.
Other names: c.3533+18A>G (NM_001354579.2).
Identifiers: ClinVar variation 157978 (VCV000157978.18), dbSNP rs73864554, ClinGen allele CA171356.
Genomic context (GRCh38, chr3:142,538,464, plus strand): 5'-CATTACCATCAGTAATTTTGAGACATAAAAATACAGTTTAAAAAGTTATTATTTTACTAT[T>C]AATTTCAGTTACAATACCTGTTTTCAATTATGAGGTAGTGGAAGATAGCTGCAGTTTCTT-3'

ClinVar aggregate classification (germline): Benign/Likely benign. Review status: criteria provided, multiple submitters, no conflicts (2 of 4 stars). 7 submissions from 6 submitters: Benign (5); Likely benign (1). 1 of the submissions does not count toward it. Last evaluated 2026-02-04.

Conditions:
Familial cutaneous telangiectasia and oropharyngeal predisposition cancer syndrome. Identifiers: Orphanet 313846, MedGen C3281203, MONDO:0013806, OMIM 614564.
Seckel syndrome 1 (SCKL1). Also called: MICROCEPHALIC PRIMORDIAL DWARFISM I. Identifiers: Orphanet 808, MedGen C4551474, MONDO:0008869, OMIM 210600.

Allele frequency attached by ClinVar (database versions not stated): gnomAD exomes 0.00828 and 0.00315; ExAC 0.01041; gnomAD 0.03201 and 0.03416; TOPMed 0.03562; ESP Exome Variant Server 0.03691; 1000 Genomes Project 0.03754; 1000 Genomes Project 30x 0.04107.
gnomAD v4.1: 9,602 of 1,604,304 alleles (0.6%); highest among the groups gnomAD compares: African/African-American, 11%; 466 homozygotes.

Submissions (7):

Labcorp Genetics (formerly Invitae), Labcorp
Classification: Benign. Last evaluated: 2026-02-04. Review status: criteria provided, single submitter. Criteria: Invitae Variant Classification Sherloc (09022015). Collection method: clinical testing. Allele origin: germline.

KCCC/NGS Laboratory, Kuwait Cancer Control Center
Classification: Likely benign for Familial cutaneous telangiectasia and oropharyngeal predisposition cancer syndrome. Last evaluated: 2023-07-07. Review status: criteria provided, single submitter. Criteria: ACMG Guidelines, 2015. Collection method: clinical testing. Allele origin: germline. Affected: yes.

Genome-Nilou Lab
Classification: Benign for Seckel syndrome 1. Last evaluated: 2023-02-08. Review status: criteria provided, single submitter. Criteria: ACMG Guidelines, 2015. Collection method: clinical testing. Allele origin: germline.

Genome-Nilou Lab
Classification: Benign for Familial cutaneous telangiectasia and oropharyngeal predisposition cancer syndrome. Last evaluated: 2023-02-08. Review status: criteria provided, single submitter. Criteria: ACMG Guidelines, 2015. Collection method: clinical testing. Allele origin: germline.

GeneDx
Classification: Benign. Last evaluated: 2015-03-03. Review status: criteria provided, single submitter. Criteria: GeneDx Variant Classification Process June 2021. Collection method: clinical testing. Allele origin: germline. Affected: yes.

Breakthrough Genomics
Classification: Benign. Review status: criteria provided, single submitter. Criteria: ACMG Guidelines, 2015. Collection method: not provided. Allele origin: germline. Inheritance: Autosomal recessive inheritance. Affected: yes.

Genetic Services Laboratory, University of Chicago
Classification: Likely benign. Review status: no assertion criteria provided. Collection method: clinical testing. Allele origin: germline. Inheritance: Autosomal recessive inheritance. Not counted in ClinVar's aggregate classification.
Comment: Likely benign based on allele frequency in 1000 Genomes Project or ESP global frequency and its presence in a patient with a rare or unrelated disease phenotype. NOT Sanger confirmed